The following is an entry in ClinVar:

ClinVar aggregate classification (germline): Uncertain significance. Review status: criteria provided, multiple submitters, no conflicts (2 of 4 stars). 7 submissions from 7 submitters: Uncertain significance (7). Last evaluated 2026-04-20.

Conditions:
Hereditary cancer-predisposing syndrome. Also called: Neoplastic Syndromes, Hereditary; Hereditary Cancer Syndrome; Tumor predisposition; Hereditary neoplastic syndrome. Identifiers: Orphanet 140162, MedGen C0027672, MeSH D009386, MONDO:0015356.
Hereditary nonpolyposis colorectal neoplasms. Identifiers: MedGen C0009405, MeSH D003123.
Lynch syndrome. Identifiers: Orphanet 144, MedGen C4552100, MONDO:0005835. Disease mechanism: loss of function.
Lynch syndrome 4 (LYNCH4). Also called: Hereditary non-polyposis colorectal cancer, type 4; Colorectal cancer, hereditary nonpolyposis, type 4. Identifiers: Orphanet 144, MedGen C1838333, MONDO:0013699, OMIM 614337. Disease mechanism: loss of function.

gnomAD v4.1: 1 of 1,601,304 alleles (0.000062%); highest among the groups gnomAD compares: Non-Finnish European, 0.000085%; no homozygotes.

Submissions (7):

Ambry Genetics
Classification: Uncertain significance for Hereditary cancer-predisposing syndrome. Last evaluated: 2026-04-20. Review status: criteria provided, single submitter. Criteria: Ambry Variant Classification Scheme 2023. Collection method: clinical testing. Allele origin: germline.
Comment: The c.194T>G (p.L65R) alteration is located in exon 3 (coding exon 3) of the PMS2 gene. This alteration results from a T to G substitution at nucleotide position 194, causing the leucine (L) at amino acid position 65 to be replaced by an arginine (R). Based on data from gnomAD, the G allele has an overall frequency of <0.001% (1/250660) total alleles studied. The highest observed frequency was 0.003% (1/34566) of Latino alleles. Based on insufficient or conflicting evidence, the clinical significance of this alteration remains unclear.

Labcorp Genetics (formerly Invitae), Labcorp
Classification: Uncertain significance for Hereditary nonpolyposis colorectal neoplasms. Last evaluated: 2025-09-13. Review status: criteria provided, single submitter. Criteria: Invitae Variant Classification Sherloc (09022015). Collection method: clinical testing. Allele origin: germline.
Comment: This sequence change replaces leucine, which is neutral and non-polar, with arginine, which is basic and polar, at codon 65 of the PMS2 protein (p.Leu65Arg). This variant is not present in population databases (gnomAD no frequency). This variant has not been reported in the literature in individuals affected with PMS2-related conditions. ClinVar contains an entry for this variant (Variation ID: 233710). Invitae Evidence Modeling incorporating data from in vitro experimental studies (internal data) indicates that this missense variant is not expected to disrupt PMS2 function with a negative predictive value of 95%. In summary, the available evidence is currently insufficient to determine the role of this variant in disease. Therefore, it has been classified as a Variant of Uncertain Significance.

Baylor Genetics
Classification: Uncertain significance for Lynch syndrome 4. Last evaluated: 2024-03-15. Review status: criteria provided, single submitter. Criteria: ACMG Guidelines, 2015. Collection method: clinical testing. Allele origin: unknown.

All of Us Research Program, National Institutes of Health
Classification: Uncertain significance for Lynch syndrome. Last evaluated: 2023-12-01. Review status: criteria provided, single submitter. Criteria: ACMG Guidelines, 2015. Collection method: clinical testing. Allele origin: germline. Inheritance: Autosomal dominant inheritance. Observed: 1 variant allele, 1 heterozygote.
Comment: This missense variant replaces leucine with arginine at codon 65 of the PMS2 protein. Computational prediction suggests that this variant may have deleterious impact on protein structure and function (internally defined REVEL score threshold >= 0.7, PMID: 27666373). To our knowledge, functional studies have not been reported for this variant. This variant has not been reported in individuals affected with hereditary cancer in the literature. This variant has been identified in 1/250660 chromosomes in the general population by the Genome Aggregation Database (gnomAD). The available evidence is insufficient to determine the role of this variant in disease conclusively. Therefore, this variant is classified as a Variant of Uncertain Significance.

This study involves interpretation of variants in research participants for the purpose of population health screening. Participant phenotype was not available at the time of variant classification. Additional details can be found in publication PMID: 35346344, PMCID: PMC8962531

Color Diagnostics, LLC DBA Color Health
Classification: Uncertain significance for Hereditary cancer-predisposing syndrome. Last evaluated: 2021-12-31. Review status: criteria provided, single submitter. Criteria: ACMG Guidelines, 2015. Collection method: clinical testing. Allele origin: germline.
Comment: This missense variant replaces leucine with arginine at codon 65 of the PMS2 protein. Computational prediction suggests that this variant may have deleterious impact on protein structure and function (internally defined REVEL score threshold >= 0.7, PMID: 27666373). To our knowledge, functional studies have not been reported for this variant. This variant has not been reported in individuals affected with hereditary cancer in the literature. This variant has been identified in 1/250660 chromosomes in the general population by the Genome Aggregation Database (gnomAD). The available evidence is insufficient to determine the role of this variant in disease conclusively. Therefore, this variant is classified as a Variant of Uncertain Significance.

GeneDx
Classification: Uncertain significance. Last evaluated: 2021-01-15. Review status: criteria provided, single submitter. Criteria: GeneDx Variant Classification Process June 2021. Collection method: clinical testing. Allele origin: germline. Affected: yes.
Comment: Not observed at a significant frequency in large population cohorts (Lek 2016); In silico analysis supports that this missense variant has a deleterious effect on protein structure/function; Has not been previously published as pathogenic or benign to our knowledge

Mendelics
Classification: Uncertain significance for Lynch syndrome. Last evaluated: 2018-07-02. Review status: criteria provided, single submitter. Criteria: Mendelics Assertion Criteria 2017. Collection method: clinical testing. Allele origin: unknown.

NM_000535.7(PMS2):c.194T>G (p.Leu65Arg)

Gene: PMS2 (PMS1 homolog 2, mismatch repair system component; minus strand). Cytogenetic location: 7p22.1.
Variant type: single nucleotide variant.
Coding change: c.194T>G on transcript NM_000535.7 (MANE Select); coding-DNA position 194, T replaced by G.
Protein change: p.Leu65Arg; replaces leucine 65 with arginine.
Molecular consequence: missense variant. On other transcripts: 5 prime UTR variant (11), non-coding transcript variant (1).
Genome position (GRCh38, 1-based): chr7:6,004,028, A>C on the plus strand (T>G on the coding strand, the complement: PMS2 is on the minus strand). VCF-style: chr7-6004028-A-C. GRCh37 (hg19) VCF-style: chr7-6043659-A-C.
Other names: c.-212T>G (NM_001322003.2, NM_001322004.2, NM_001322005.2 and 3 more transcripts); c.194T>G, p.Leu65Arg (NM_001322006.2, NM_001322014.2); c.-22T>G (NM_001322007.2, NM_001322008.2); c.-691T>G (NM_001322011.2, NM_001322012.2); c.-291T>G (NM_001322015.2); short protein forms L65R.
Identifiers: ClinVar variation 233710 (VCV000233710.24), dbSNP rs749141001, ClinGen allele CA10578725.